The following is an entry in ClinVar:

NM_018668.5(VPS33B):c.67C>T (p.Arg23Ter)

Gene: VPS33B (VPS33B late endosome and lysosome associated; minus strand). Cytogenetic location: 15q26.1.
Variant type: single nucleotide variant.
Coding change: c.67C>T on transcript NM_018668.5 (MANE Select); coding-DNA position 67, C replaced by T.
Protein change: p.Arg23Ter; replaces arginine 23 with a stop codon.
Molecular consequence: nonsense. On other transcripts: 5 prime UTR variant (1).
Genome position (GRCh38, 1-based): chr15:91,022,183, G>A on the plus strand (C>T on the coding strand, the complement: VPS33B is on the minus strand). VCF-style: chr15-91022183-G-A. GRCh37 (hg19) VCF-style: chr15-91565413-G-A.
Other names: c.67C>T, p.Arg23Ter (NM_001289148.1); c.-145C>T (NM_001289149.1); short protein forms R23*.
Identifiers: ClinVar variation 1526045 (VCV001526045.2), dbSNP rs1263540507, ClinGen allele CA393863781.

ClinVar aggregate classification (germline): Pathogenic (1 of 4 stars; one submission).

Conditions:
Arthrogryposis, renal dysfunction, and cholestasis 1 (ARCS1). Identifiers: Orphanet 2697, MedGen C1859722, MONDO:0008822, OMIM 208085.

Allele frequency attached by ClinVar (database versions not stated): gnomAD exomes below 0.00001 and 0.00001.
gnomAD v4.1: 1 of 1,576,056 alleles (0.000063%); highest among the groups gnomAD compares: African/African-American, 0.0013%; no homozygotes.

Submission:

3billion
Classification: Pathogenic for Arthrogryposis, renal dysfunction, and cholestasis 1. Last evaluated: 2025-11-25. Review status: criteria provided, single submitter. Criteria: ACMG Guidelines, 2015. Collection method: clinical testing. Allele origin: germline. Affected: yes.
Comment: The variant is observed at an extremely low frequency in the gnomAD v4.1.0 dataset (total allele frequency: <0.001%). Predicted Consequence/Location: Stop-gained (nonsense): predicted to result in a loss or disruption of normal protein function through nonsense-mediated decay (NMD) or protein truncation. Multiple pathogenic variants are reported downstream of the variant. The variant has been reported to be associated with VPS33B-related disorder (ClinVar ID: VCV001526045 /PMID: 22753090 /3billion dataset). Therefore, this variant is classified as Pathogenic according to the recommendation of ACMG/AMP guideline.

Literature cited by the submitters: PubMed 22753090.